The following is an entry in ClinVar:

ClinVar aggregate classification (germline): Uncertain significance (1 of 4 stars; one submission).

Conditions:
Congenital adrenal hypoplasia, X-linked (AHC). Also called: ADRENAL HYPOPLASIA, CONGENITAL, WITH HYPOGONADOTROPIC HYPOGONADISM; Isolated X-Linked Adrenal Hypoplasia Congenita; X-Linked Adrenal Hypoplasia Congenita; X-linked AHC. Identifiers: Orphanet 95702, MedGen C0342482, MONDO:0010264, OMIM 300200. Disease mechanism: loss of function.
46,XY sex reversal 2. Also called: 46XY sex reversal 2, dosage-sensitive; Dosage-sensitive sex reversal; NR0B1-Related 46,XY CGD; NR0B1-related 46,XY complete gonadal dysgenesis; 46,XY SEX REVERSAL, DAX1-RELATED. Identifiers: MedGen C1848296, MONDO:0010226, OMIM 300018.

Submission:

Labcorp Genetics (formerly Invitae), Labcorp
Classification: Uncertain significance for Congenital adrenal hypoplasia, X-linked; 46,XY sex reversal 2. Last evaluated: 2019-09-02. Review status: criteria provided, single submitter. Criteria: Invitae Variant Classification Sherloc (09022015). Collection method: clinical testing. Allele origin: germline.
Comment: This variant is not present in population databases (ExAC no frequency). This sequence change replaces leucine with arginine at codon 262 of the NR0B1 protein (p.Leu262Arg). The leucine residue is highly conserved and there is a moderate physicochemical difference between leucine and arginine. Algorithms developed to predict the effect of missense changes on protein structure and function (SIFT, PolyPhen-2, Align-GVGD) all suggest that this variant is likely to be disruptive, but these predictions have not been confirmed by published functional studies and their clinical significance is uncertain. This variant disrupts the p.Leu262 amino acid residue in NR0B1. Other variant(s) that disrupt this residue have been determined to be pathogenic (PMID: 18339285, 20573681). This suggests that this residue is clinically significant, and that variants that disrupt this residue are likely to be disease-causing. In summary, the available evidence is currently insufficient to determine the role of this variant in disease. Therefore, it has been classified as a Variant of Uncertain Significance.

Literature cited by the submitters: PubMed 18339285; PubMed 20573681.

NM_000475.5(NR0B1):c.785T>G (p.Leu262Arg)

Gene: NR0B1 (nuclear receptor subfamily 0 group B member 1; minus strand). Cytogenetic location: Xp21.2.
Variant type: single nucleotide variant.
Coding change: c.785T>G on transcript NM_000475.5 (MANE Select); coding-DNA position 785, T replaced by G.
Protein change: p.Leu262Arg; replaces leucine 262 with arginine.
Molecular consequence: missense variant.
Genome position (GRCh38, 1-based): chrX:30,308,579, A>C on the plus strand (T>G on the coding strand, the complement: NR0B1 is on the minus strand). VCF-style: chrX-30308579-A-C. GRCh37 (hg19) VCF-style: chrX-30326696-A-C.
Other names: short protein forms L262R.
Identifiers: ClinVar variation 962235 (VCV000962235.9), dbSNP rs1926571373, ClinGen allele CA412547882.
Genomic context (GRCh38, chrX:30,308,579, plus strand): 5'-TGGTCCAGGGGCAGCACCTGGAAGCAGGGCAAGTACTTGACGAAGCGCAGCGTCTTCAAC[A>C]GGCCCGCTGAGGCTGCCTCGCAGACCACCTGTGGACTCTTGAGCGCCACCGGCCGCAGCG-3'
Protein context (NP_000466.2, residues 252-272): QVVCEAASAG[Leu262Arg]LKTLRFVKYL